The following is an entry in ClinVar:

NM_001376.5(DYNC1H1):c.2150T>G (p.Ile717Ser)

Gene: DYNC1H1 (dynein cytoplasmic 1 heavy chain 1; plus strand). Cytogenetic location: 14q32.31.
Variant type: single nucleotide variant.
Coding change: c.2150T>G on transcript NM_001376.5 (MANE Select); coding-DNA position 2150, T replaced by G.
Protein change: p.Ile717Ser; replaces isoleucine 717 with serine.
Molecular consequence: missense variant.
Genome position (GRCh38, 1-based): chr14:101,986,375, T>G. VCF-style: chr14-101986375-T-G. GRCh37 (hg19) VCF-style: chr14-102452712-T-G.
Other names: short protein forms I717S.
Identifiers: ClinVar variation 1510640 (VCV001510640.8), dbSNP rs2141274940, ClinGen allele CA391021242.

ClinVar aggregate classification (germline): Uncertain significance (1 of 4 stars; one submission).

Conditions:
Charcot-Marie-Tooth disease axonal type 2O. Also called: CHARCOT-MARIE-TOOTH NEUROPATHY, AXONAL, TYPE 2O; CHARCOT-MARIE-TOOTH DISEASE, AXONAL, AUTOSOMAL DOMINANT, TYPE 2O; Charcot-Marie-Tooth Neuropathy Type 2O; Charcot-Marie-Tooth disease, axonal, type 20. Identifiers: Orphanet 284232, MedGen C3280220, MONDO:0013644, OMIM 614228.

Submission:

Labcorp Genetics (formerly Invitae), Labcorp
Classification: Uncertain significance for Charcot-Marie-Tooth disease axonal type 2O. Last evaluated: 2020-11-02. Review status: criteria provided, single submitter. Criteria: Invitae Variant Classification Sherloc (09022015). Collection method: clinical testing. Allele origin: germline.
Comment: Algorithms developed to predict the effect of sequence changes on RNA splicing suggest that this variant may create or strengthen a splice site, but this prediction has not been confirmed by published transcriptional studies. In summary, the available evidence is currently insufficient to determine the role of this variant in disease. Therefore, it has been classified as a Variant of Uncertain Significance. Advanced modeling of protein sequence and biophysical properties (such as structural, functional, and spatial information, amino acid conservation, physicochemical variation, residue mobility, and thermodynamic stability) performed at Invitae indicates that this missense variant is expected to disrupt DYNC1H1 protein function. This variant has not been reported in the literature in individuals with DYNC1H1-related conditions. This variant is not present in population databases (ExAC no frequency). This sequence change replaces isoleucine with serine at codon 717 of the DYNC1H1 protein (p.Ile717Ser). The isoleucine residue is highly conserved and there is a large physicochemical difference between isoleucine and serine.